The following is an entry in ClinVar:

ClinVar aggregate classification (germline): Uncertain significance (1 of 4 stars; one submission).

gnomAD v4.1: 10 of 1,613,618 alleles (0.00062%); highest among the groups gnomAD compares: African/African-American, 0.012%; no homozygotes.

Submission:

Labcorp Genetics (formerly Invitae), Labcorp
Classification: Uncertain significance. Last evaluated: 2025-10-19. Review status: criteria provided, single submitter. Criteria: Invitae Variant Classification Sherloc (09022015). Collection method: clinical testing. Allele origin: germline.
Comment: This sequence change replaces isoleucine, which is neutral and non-polar, with valine, which is neutral and non-polar, at codon 354 of the TAF1C protein (p.Ile354Val). This variant is present in population databases (rs758375522, gnomAD 0.01%). This variant has not been reported in the literature in individuals affected with TAF1C-related conditions. An algorithm developed to predict the effect of missense changes on protein structure and function outputs the following: PolyPhen-2: "Benign". The valine amino acid residue is found in multiple mammalian species, which suggests that this missense change does not adversely affect protein function. In summary, the available evidence is currently insufficient to determine the role of this variant in disease. Therefore, it has been classified as a Variant of Uncertain Significance.

NM_001243156.2(TAF1C):c.982A>G (p.Ile328Val)

Gene: TAF1C (TATA-box binding protein associated factor, RNA polymerase I subunit C; minus strand). Cytogenetic location: 16q24.1.
Variant type: single nucleotide variant.
Coding change: c.982A>G on transcript NM_001243156.2 (MANE Select); coding-DNA position 982, A replaced by G.
Protein change: p.Ile328Val; replaces isoleucine 328 with valine.
Molecular consequence: missense variant. On other transcripts: 5 prime UTR variant (2).
Genome position (GRCh38, 1-based): chr16:84,181,638, T>C on the plus strand (A>G on the coding strand, the complement: TAF1C is on the minus strand). VCF-style: chr16-84181638-T-C. GRCh37 (hg19) VCF-style: chr16-84215244-T-C.
Other names: c.64A>G, p.Ile22Val (NM_001243157.2, NM_001243158.2); c.-296A>G (NM_001243159.2); c.-481A>G (NM_001243160.2); c.1060A>G, p.Ile354Val (NM_005679.4); c.781A>G, p.Ile261Val (NM_139353.3); short protein forms I22V, I328V, I354V, I261V.
Identifiers: ClinVar variation 4729493 (VCV004729493.1).